The following is an entry in ClinVar:

ClinVar aggregate classification (germline): Pathogenic. Review status: criteria provided, single submitter (1 of 4 stars). 2 submissions from 2 submitters: Pathogenic (1). 1 of the submissions does not count toward it. Last evaluated 2022-06-06.

Conditions:
Developmental delay, hypotonia, and impaired language (DEDHIL). Identifiers: MedGen C5774202, MONDO:0859280, OMIM 620012.

Submissions (2):

GeneDx
Classification: Pathogenic. Last evaluated: 2022-06-06. Review status: criteria provided, single submitter. Criteria: GeneDx Variant Classification Process June 2021. Collection method: clinical testing. Allele origin: germline. Affected: yes.
Comment: In silico analysis, which includes protein predictors and evolutionary conservation, supports a deleterious effect; Not observed at significant frequency in large population cohorts (gnomAD); This variant is associated with the following publications: (PMID: 35395208)

OMIM
Classification: Pathogenic for DEVELOPMENTAL DELAY, HYPOTONIA, AND IMPAIRED LANGUAGE. Last evaluated: 2022-08-26. Review status: no assertion criteria provided. Collection method: literature only. Allele origin: germline. Not counted in ClinVar's aggregate classification.

Literature cited by the submitters: PubMed 35395208 (cited by OMIM).

NM_001349798.2(FBXW7):c.1267G>A (p.Gly423Arg)

Gene: FBXW7 (F-box and WD repeat domain containing 7; minus strand). Cytogenetic location: 4q31.3.
Variant type: single nucleotide variant.
Coding change: c.1267G>A on transcript NM_001349798.2 (MANE Select); coding-DNA position 1267, G replaced by A.
Protein change: p.Gly423Arg; replaces glycine 423 with arginine.
Molecular consequence: missense variant.
Genome position (GRCh38, 1-based): chr4:152,328,359, C>T on the plus strand (G>A on the coding strand, the complement: FBXW7 is on the minus strand). VCF-style: chr4-152328359-C-T. GRCh37 (hg19) VCF-style: chr4-153249511-C-T.
Other names: c.913G>A, p.Gly305Arg (NM_001013415.2); c.1027G>A, p.Gly343Arg (NM_018315.5); c.1267G>A, p.Gly423Arg (NM_033632.3); short protein forms G423R, G305R, G343R.
Identifiers: ClinVar variation 1702998 (VCV001702998.2), dbSNP rs2126515961, ClinGen allele CA358619041.
Genomic context (GRCh38, chr4:152,328,359, plus strand): 5'-GTGTCCGATCTGTAGATCCACTAATGATGATGTTGTCTCTCATTTGTGATGACCATACTC[C>T]ACCTGTATGTCCCACTAATGTTCTCAGACACTGGAAAAACACTTAAGATGATTACTTTTG-3'
Protein context (NP_001336727.1, residues 413-433): CLRTLVGHTG[Gly423Arg]VWSSQMRDNI